The following is an entry in ClinVar:

NM_006648.4(WNK2):c.3562C>T (p.Arg1188Trp)

Gene: WNK2 (WNK lysine deficient protein kinase 2; plus strand). Cytogenetic location: 9q22.31.
Variant type: single nucleotide variant.
Coding change: c.3562C>T on transcript NM_006648.4 (MANE Select); coding-DNA position 3562, C replaced by T.
Protein change: p.Arg1188Trp; replaces arginine 1188 with tryptophan.
Molecular consequence: missense variant.
Genome position (GRCh38, 1-based): chr9:93,263,717, C>T. VCF-style: chr9-93263717-C-T. GRCh37 (hg19) VCF-style: chr9-96025999-C-T.
Other names: c.3562C>T, p.Arg1188Trp (NM_001282394.3); short protein forms R1188W.
Identifiers: ClinVar variation 3470043 (VCV003470043.1).

ClinVar aggregate classification (germline): Uncertain significance (1 of 4 stars; one submission).

gnomAD v4.1: 29 of 1,508,744 alleles (0.0019%); highest among the groups gnomAD compares: African/African-American, 0.0028%; no homozygotes.

Submission:

Ambry Genetics
Classification: Uncertain significance. Last evaluated: 2024-10-02. Review status: criteria provided, single submitter. Criteria: Ambry Variant Classification Scheme 2023. Collection method: clinical testing. Allele origin: germline.
Comment: The p.R1188W variant (also known as c.3562C>T), located in coding exon 14 of the WNK2 gene, results from a C to T substitution at nucleotide position 3562. The arginine at codon 1188 is replaced by tryptophan, an amino acid with dissimilar properties. This amino acid position is conserved. In addition, this alteration is predicted to be tolerated by in silico analysis. Based on the available evidence, the clinical significance of this variant remains unclear.